The following is an entry in ClinVar:

NM_001363711.2(DUOX2):c.160+5G>T

Gene: DUOX2 (dual oxidase 2; minus strand). Cytogenetic location: 15q21.1.
Variant type: single nucleotide variant.
Coding change: c.160+5G>T on transcript NM_001363711.2 (MANE Select); 5 bases into the intron after coding-DNA position 160, G replaced by T.
Molecular consequence: intron variant.
Genome position (GRCh38, 1-based): chr15:45,112,982, C>A on the plus strand (G>T on the coding strand, the complement: DUOX2 is on the minus strand). VCF-style: chr15-45112982-C-A. GRCh37 (hg19) VCF-style: chr15-45405180-C-A.
Other names: c.160+5G>T (NM_014080.5).
Identifiers: ClinVar variation 887154 (VCV000887154.7), dbSNP rs372199473, ClinGen allele CA7539119.

ClinVar aggregate classification (germline): Uncertain significance. Review status: criteria provided, multiple submitters, no conflicts (2 of 4 stars). 2 submissions from 2 submitters: Uncertain significance (2). Last evaluated 2025-12-30.

Conditions:
Thyroid dyshormonogenesis 6 (TDH6). Also called: HYPOTHYROIDISM, CONGENITAL, DUE TO DYSHORMONOGENESIS, 6; THYROID HORMONOGENESIS, GENETIC DEFECT IN, 6; Genetic transient congenital hypothyroidism. Identifiers: Orphanet 226316, Orphanet 95716, MedGen C1846632, MONDO:0011792, OMIM 607200.

gnomAD v4.1: 4 of 1,613,322 alleles (0.00025%); highest among the groups gnomAD compares: Non-Finnish European, 0.00025%; no homozygotes.

Submissions (2):

Labcorp Genetics (formerly Invitae), Labcorp
Classification: Uncertain significance. Last evaluated: 2025-12-30. Review status: criteria provided, single submitter. Criteria: Invitae Variant Classification Sherloc (09022015). Collection method: clinical testing. Allele origin: germline.
Comment: This sequence change falls in intron 3 of the DUOX2 gene. It does not directly change the encoded amino acid sequence of the DUOX2 protein. It affects a nucleotide within the consensus splice site. This variant is present in population databases (rs372199473, gnomAD 0.002%). This variant has not been reported in the literature in individuals affected with DUOX2-related conditions. ClinVar contains an entry for this variant (Variation ID: 887154). Variants that disrupt the consensus splice site are a relatively common cause of aberrant splicing (PMID: 17576681, 9536098). Algorithms developed to predict the effect of sequence changes on RNA splicing suggest that this variant may disrupt the consensus splice site. In summary, the available evidence is currently insufficient to determine the role of this variant in disease. Therefore, it has been classified as a Variant of Uncertain Significance.

Illumina Laboratory Services, Illumina
Classification: Uncertain significance for Thyroid dyshormonogenesis 6. Last evaluated: 2017-04-27. Review status: criteria provided, single submitter. Criteria: ICSL Variant Classification Criteria 13 December 2019. Collection method: clinical testing. Allele origin: germline.

Literature cited by the submitters: PubMed 17576681 (cited by Labcorp Genetics (formerly Invitae), Labcorp); PubMed 9536098 (cited by Labcorp Genetics (formerly Invitae), Labcorp).